The following is an entry in ClinVar:

ClinVar aggregate classification (germline): Uncertain significance. Review status: criteria provided, multiple submitters, no conflicts (2 of 4 stars). 2 submissions from 2 submitters: Uncertain significance (2). Last evaluated 2025-10-28.

Conditions:
Hereditary cancer-predisposing syndrome. Also called: Tumor predisposition; Hereditary Cancer Syndrome; Hereditary neoplastic syndrome; Neoplastic Syndromes, Hereditary. Identifiers: Orphanet 140162, MedGen C0027672, MeSH D009386, MONDO:0015356.
Gastrointestinal stromal tumor. Also called: Gastrointestinal stroma tumor; Gastrointestinal stromal tumor, somatic. Identifiers: Orphanet 44890, MedGen C0238198, MeSH D046152, MONDO:0011719, OMIM 606764, HP:0100723.

Submissions (2):

Ambry Genetics
Classification: Uncertain significance for Hereditary cancer-predisposing syndrome. Last evaluated: 2025-10-28. Review status: criteria provided, single submitter. Criteria: Ambry Variant Classification Scheme 2023. Collection method: clinical testing. Allele origin: germline.
Comment: The p.K158R variant (also known as c.473A>G), located in coding exon 3 of the KIT gene, results from an A to G substitution at nucleotide position 473. The lysine at codon 158 is replaced by arginine, an amino acid with highly similar properties. This amino acid position is conserved. In addition, this alteration is predicted to be tolerated by in silico analysis. Based on the available evidence, the clinical significance of this variant remains unclear.

Labcorp Genetics (formerly Invitae), Labcorp
Classification: Uncertain significance for Gastrointestinal stromal tumor. Last evaluated: 2021-10-21. Review status: criteria provided, single submitter. Criteria: Invitae Variant Classification Sherloc (09022015). Collection method: clinical testing. Allele origin: germline.
Comment: This sequence change replaces lysine with arginine at codon 158 of the KIT protein (p.Lys158Arg). The lysine residue is moderately conserved and there is a small physicochemical difference between lysine and arginine. This variant is not present in population databases (ExAC no frequency). This variant has not been reported in the literature in individuals affected with KIT-related conditions. Algorithms developed to predict the effect of missense changes on protein structure and function (SIFT, PolyPhen-2, Align-GVGD) all suggest that this variant is likely to be tolerated. In summary, the available evidence is currently insufficient to determine the role of this variant in disease. Therefore, it has been classified as a Variant of Uncertain Significance.

NM_000222.3(KIT):c.473A>G (p.Lys158Arg)

Gene: KIT (KIT proto-oncogene, receptor tyrosine kinase; plus strand). Cytogenetic location: 4q12.
Variant type: single nucleotide variant.
Coding change: c.473A>G on transcript NM_000222.3 (MANE Select); coding-DNA position 473, A replaced by G.
Protein change: p.Lys158Arg; replaces lysine 158 with arginine.
Molecular consequence: missense variant.
Genome position (GRCh38, 1-based): chr4:54,698,419, A>G. VCF-style: chr4-54698419-A-G. GRCh37 (hg19) VCF-style: chr4-55564585-A-G.
Other names: c.473A>G (NM_000222.2); c.473A>G, p.Lys158Arg (NM_001093772.2, NM_001385284.1, NM_001385285.1 and 4 more transcripts); short protein forms K158R.
Identifiers: ClinVar variation 1418923 (VCV001418923.13), dbSNP rs775817289, ClinGen allele CA356897660.
Genomic context (GRCh38, chr4:54,698,419, plus strand): 5'-TCACAGACCCAGAAGTGACCAATTATTCCCTCAAGGGGTGCCAGGGGAAGCCTCTTCCCA[A>G]GGACTTGAGGTTTATTCCTGACCCCAAGGCGGGCATCATGATCAAAAGTGTGAAACGCGC-3'
Protein context (NP_000213.1, residues 148-168): LKGCQGKPLP[Lys158Arg]DLRFIPDPKA